The following is an entry in ClinVar:

ClinVar aggregate classification (germline): Pathogenic (1 of 4 stars; one submission).

Conditions:
Early onset severe obesity. Identifiers: MedGen C4013980.

Submission:

Cambridge Genomics Laboratory, East Genomic Laboratory Hub, NHS Genomic Medicine Service
Classification: Pathogenic for Severe early-onset obesity. Last evaluated: 2024-09-02. Review status: criteria provided, single submitter. Criteria: ACGS Best Practice Guidelines for Variant Classification in Rare Disease 2020. Collection method: clinical testing. Allele origin: germline. Affected: yes.
Comment: The p.Gln1493Argfs*2 variant is novel (not in any individuals) in gnomAD All. The p.Gln1493Argfs*2 variant is novel (not in any individuals) in 1kG All. (PM2 - Moderate) | This variant is a frameshift variant which occurs in an exon of PHIP upstream of where nonsense mediated decay is predicted to occur. There are 10 downstream pathogenic loss of function variants, with the furthest variant being 280 residues downstream of this variant. This indicates that the region is critical to protein function. The gene PHIP has a low rate of benign loss of function variants as indicated by a low upper bound of the observed/expected confidence interval 0.25. The p.Gln1493Argfs*2 variant is a loss of function variant in the gene PHIP, which is intolerant of Loss of Function variants, as indicated by the presence of existing pathogenic loss of function variant NM_017934.7:c.40+1delG and 60 others. (PVS1 - Very Strong)

NM_017934.7(PHIP):c.4476del (p.Gln1493fs)

Genes: IRAK1BP1 (interleukin 1 receptor associated kinase 1 binding protein 1; plus strand), PHIP (PHIP subunit of CUL4-Ring ligase complex; minus strand). Cytogenetic location: 6q14.1.
Variant type: Deletion.
Coding change: c.4476del on transcript NM_017934.7 (MANE Select); coding-DNA position 4476, one base deleted (T; older notation c.4476delT).
Protein change: p.Gln1493fs; shifts the reading frame from glutamine 1493.
Molecular consequence: frameshift variant.
Genome position (GRCh38, 1-based): chr6:78,946,155, A deleted on the plus strand (T on the coding strand, the reverse complement: PHIP is on the minus strand). VCF-style (leftmost placement, unchanged base first): chr6-78946154-GA-G. GRCh37 (hg19) VCF-style: chr6-79655871-GA-G.
Other names: short protein forms Q1493fs.
Identifiers: ClinVar variation 4812839 (VCV004812839.1).